The following is an entry in ClinVar:

ClinVar aggregate classification (germline): Uncertain significance (1 of 4 stars; one submission).

Conditions:
Dyskeratosis congenita, autosomal dominant 1 (DKCA1). Also called: Dyskeratosis congenita Scoggins type. Identifiers: Orphanet 1775, MedGen C4551974, MONDO:0007485, OMIM 127550. Inheritance: Variable.

Submission:

Labcorp Genetics (formerly Invitae), Labcorp
Classification: Uncertain significance for Dyskeratosis congenita, autosomal dominant 1. Last evaluated: 2022-11-16. Review status: criteria provided, single submitter. Criteria: Invitae Variant Classification Sherloc (09022015). Collection method: clinical testing. Allele origin: germline.
Comment: This variant is located within the BoxH/ACA scaRNA domain of the TERC RNA component, which is required for telomerase activity (PMID: 21844345). In summary, the available evidence is currently insufficient to determine the role of this variant in disease. Therefore, it has been classified as a Variant of Uncertain Significance. ClinVar contains an entry for this variant (Variation ID: 534175). This variant has not been reported in the literature in individuals affected with TERC-related conditions. This variant is not present in population databases (gnomAD no frequency). This variant occurs in the TERC gene, which encodes an RNA molecule that does not result in a protein product.

Literature cited by the submitters: PubMed 21844345.

NC_000003.12:g.169764844C>G

Genes: TERC (telomerase RNA component; minus strand), LOC110806306 (telomerase RNA component (TERC) promoter; plus strand). Cytogenetic location: 3q26.2.
Variant type: single nucleotide variant.
Genome position: GRCh38 VCF-style: chr3-169764844-C-G. GRCh37 (hg19) VCF-style: chr3-169482632-C-G.
Identifiers: ClinVar variation 534175 (VCV000534175.9), dbSNP rs1553915599, ClinGen allele CA436715381.